The following is an entry in ClinVar:

ClinVar aggregate classification (germline): Conflicting classifications of pathogenicity. Review status: criteria provided, conflicting classifications (1 of 4 stars). 2 submissions from 2 submitters: Uncertain significance (1); Likely benign (1). Last evaluated 2024-05-16.

Conditions:
Inborn genetic diseases. Identifiers: MedGen C0950123, MeSH D030342.

Submissions (2):

Labcorp Genetics (formerly Invitae), Labcorp
Classification: Uncertain significance. Last evaluated: 2024-05-16. Review status: criteria provided, single submitter. Criteria: Invitae Variant Classification Sherloc (09022015). Collection method: clinical testing. Allele origin: germline.
Comment: This variant, c.1680_1697del, results in the deletion of 6 amino acid(s) of the NEFH protein (p.Pro562_Pro567del), but otherwise preserves the integrity of the reading frame. This variant is present in population databases (rs761127172, gnomAD 0.004%). This variant has not been reported in the literature in individuals affected with NEFH-related conditions. ClinVar contains an entry for this variant (Variation ID: 1777893). Experimental studies and prediction algorithms are not available or were not evaluated, and the functional significance of this variant is currently unknown. In summary, the available evidence is currently insufficient to determine the role of this variant in disease. Therefore, it has been classified as a Variant of Uncertain Significance.

Ambry Genetics
Classification: Likely benign for Inborn genetic diseases. Last evaluated: 2021-06-24. Review status: criteria provided, single submitter. Criteria: Ambry Variant Classification Scheme 2023. Collection method: clinical testing. Allele origin: germline.

NM_021076.4(NEFH):c.1680_1697del (p.Pro562_Pro567del)

Gene: NEFH (neurofilament heavy chain; plus strand). Cytogenetic location: 22q12.2.
Variant type: Deletion.
Coding change: c.1680_1697del on transcript NM_021076.4 (MANE Select); coding-DNA positions 1680 to 1697, 18 bases deleted (ACCGCCTGAGGCCAAGTC).
Protein change: p.Pro562_Pro567del.
Molecular consequence: inframe deletion.
Genome position (GRCh38, 1-based): chr22:29,489,320-29,489,337, ACCGCCTGAGGCCAAGTC deleted; deleting any 18 consecutive bases within chr22:29,489,315-29,489,337 gives the same sequence; the c. name uses the placement nearest the transcript's 3' end. VCF-style (leftmost placement, unchanged base first): chr22-29489314-AAAGTCACCGCCTGAGGCC-A. GRCh37 (hg19) VCF-style: chr22-29885303-AAAGTCACCGCCTGAGGCC-A.
Identifiers: ClinVar variation 1777893 (VCV001777893.6), dbSNP rs761127172, ClinGen allele CA10174257.